The following is an entry in ClinVar:

ClinVar aggregate classification (germline): Uncertain significance. Review status: criteria provided, multiple submitters, no conflicts (2 of 4 stars). 2 submissions from 2 submitters: Uncertain significance (2). Last evaluated 2025-11-05.

Conditions:
Inborn genetic diseases. Identifiers: MedGen C0950123, MeSH D030342.

gnomAD v4.1: 15 of 1,481,140 alleles (0.001%); highest among the groups gnomAD compares: Admixed American, 0.021%; no homozygotes.

Submissions (2):

Ambry Genetics
Classification: Uncertain significance for Inborn genetic diseases. Last evaluated: 2025-11-05. Review status: criteria provided, single submitter. Criteria: Ambry Variant Classification Scheme 2023. Collection method: clinical testing. Allele origin: germline.

Labcorp Genetics (formerly Invitae), Labcorp
Classification: Uncertain significance. Last evaluated: 2022-05-25. Review status: criteria provided, single submitter. Criteria: Invitae Variant Classification Sherloc (09022015). Collection method: clinical testing. Allele origin: germline.
Comment: This sequence change replaces valine, which is neutral and non-polar, with methionine, which is neutral and non-polar, at codon 419 of the TYMP protein (p.Val419Met). This variant is present in population databases (no rsID available, gnomAD 0.1%). This variant has not been reported in the literature in individuals affected with TYMP-related conditions. Advanced modeling of protein sequence and biophysical properties (such as structural, functional, and spatial information, amino acid conservation, physicochemical variation, residue mobility, and thermodynamic stability) performed at Invitae indicates that this missense variant is expected to disrupt TYMP protein function. In summary, the available evidence is currently insufficient to determine the role of this variant in disease. Therefore, it has been classified as a Variant of Uncertain Significance.

NM_001953.5(TYMP):c.1255G>A (p.Val419Met)

Genes: SCO2 (synthesis of cytochrome C oxidase 2; minus strand), TYMP (thymidine phosphorylase; minus strand), LOC130067862 (ATAC-STARR-seq lymphoblastoid silent region 13986; plus strand). Cytogenetic location: 22q13.33.
Variant type: single nucleotide variant.
Coding change: c.1255G>A on transcript NM_001953.5 (MANE Select); coding-DNA position 1255, G replaced by A.
Protein change: p.Val419Met; replaces valine 419 with methionine.
Molecular consequence: missense variant. On other transcripts: 5 prime UTR variant (1), intron variant (1).
Genome position (GRCh38, 1-based): chr22:50,526,046, C>T on the plus strand (G>A on the coding strand, the complement: TYMP is on the minus strand). VCF-style: chr22-50526046-C-T. GRCh37 (hg19) VCF-style: chr22-50964475-C-T.
Other names: c.-59G>A (NM_001169110.1); c.-14+200G>A (NM_001169109.2); c.1255G>A, p.Val419Met (NM_001113755.3, NM_001113756.3, NM_001257988.1); c.1270G>A, p.Val424Met (NM_001257989.1); short protein forms V419M, V424M.
Identifiers: ClinVar variation 2185613 (VCV002185613.2), dbSNP rs1035967828, ClinGen allele CA325560333.
Genomic context (GRCh38, chr22:50,526,046, plus strand): 5'-GGGGGCGGCGCTCACCACGGCGCAGCCTCTGACCCACGTCGACCAGCAGCTCTGCGCCCA[C>T]CCCCAGGCGGAGCGGCTCCCCAGCGCGGCTGCGCCCGGCCCCGAGCTCGTGCAGCACCAG-3'
Protein context (NP_001944.1, residues 409-429): SRAGEPLRLG[Val419Met]GAELLVDVGQ